The following is an entry in ClinVar:

NM_002878.4(RAD51D):c.1A>C (p.Met1Leu)

Genes: RAD51D (RAD51 paralog D; minus strand), RAD51L3-RFFL (RAD51L3-RFFL readthrough; minus strand). Cytogenetic location: 17q12.
Variant type: single nucleotide variant.
Coding change: c.1A>C on transcript NM_002878.4 (MANE Select); coding-DNA position 1, A replaced by C.
Protein change: p.Met1Leu; changes the start codon (methionine 1).
Molecular consequence: missense variant, initiator codon variant. On other transcripts: non-coding transcript variant (2).
Genome position (GRCh38, 1-based): chr17:35,119,613, T>G on the plus strand (A>C on the coding strand, the complement: RAD51D is on the minus strand). VCF-style: chr17-35119613-T-G. GRCh37 (hg19) VCF-style: chr17-33446632-T-G.
Other names: c.1A>C, p.Met1Leu (NM_001142571.2, NM_133629.3); short protein forms M1L.
Identifiers: ClinVar variation 948946 (VCV000948946.7), dbSNP rs561425038, ClinGen allele CA399092631.
Genomic context (GRCh38, chr17:35,119,613, plus strand): 5'-TGAGAAGCTGGATCATCTCCTCGGTAAGGCCAGGGCACAGTCCGACCCTGAGCACGCCCA[T>G]GTTCCCCGCAGGCCGGAACAGCCCCAGGGGGACTGCACGTCACGTGGGCATTCGCGGGGG-3'
Protein context (NP_002869.3, residues 1-11): [Met1Leu]GVLRVGLCPG

ClinVar aggregate classification (germline): Uncertain significance (1 of 4 stars; one submission).

Conditions:
Breast-ovarian cancer, familial, susceptibility to, 4. Identifiers: Orphanet 145, MedGen C3280345, MONDO:0013669, OMIM 614291.

Allele frequency attached by ClinVar (database versions not stated): TOPMed 0.00001.

Submission:

Labcorp Genetics (formerly Invitae), Labcorp
Classification: Uncertain significance for Breast-ovarian cancer, familial, susceptibility to, 4. Last evaluated: 2024-08-11. Review status: criteria provided, single submitter. Criteria: Invitae Variant Classification Sherloc (09022015). Collection method: clinical testing. Allele origin: germline.
Comment: This sequence change affects the initiator methionine of the RAD51D mRNA. The next in-frame methionine is located at codon 16. This variant is not present in population databases (gnomAD no frequency). Disruption of the initiator codon has been observed in individual(s) with breast cancer, colon polyps, and/or ovarian cancer (PMID: 24130102, 26681312, 30322717). ClinVar contains an entry for this variant (Variation ID: 948946). Experimental studies and prediction algorithms are not available or were not evaluated, and the functional significance of this variant is currently unknown. In summary, the available evidence is currently insufficient to determine the role of this variant in disease. Therefore, it has been classified as a Variant of Uncertain Significance.

Literature cited by the submitters: PubMed 24130102; PubMed 26681312; PubMed 30322717.